The following is an entry in ClinVar:

NM_020928.2(ZSWIM6):c.1943G>C (p.Arg648Pro)

Gene: ZSWIM6 (zinc finger SWIM-type containing 6; plus strand). Cytogenetic location: 5q12.1.
Variant type: single nucleotide variant.
Coding change: c.1943G>C on transcript NM_020928.2 (MANE Select); coding-DNA position 1943, G replaced by C.
Protein change: p.Arg648Pro; replaces arginine 648 with proline.
Molecular consequence: missense variant.
Genome position (GRCh38, 1-based): chr5:61,530,157, G>C. VCF-style: chr5-61530157-G-C. GRCh37 (hg19) VCF-style: chr5-60825984-G-C.
Other names: c.1943G>C (NM_020928.1); short protein forms R648P.
Identifiers: ClinVar variation 1696751 (VCV001696751.4), dbSNP rs983495066, ClinGen allele CA359944222.

ClinVar aggregate classification (germline): Uncertain significance. Review status: criteria provided, multiple submitters, no conflicts (2 of 4 stars). 3 submissions from 3 submitters: Uncertain significance (3). Last evaluated 2024-12-10.

Conditions:
Neurodevelopmental disorder with movement abnormalities, abnormal gait, and autistic features. Identifiers: MedGen C4693405, MONDO:0060642, OMIM 617865.
Inborn genetic diseases. Identifiers: MedGen C0950123, MeSH D030342.

gnomAD v4.1: 1 of 1,551,782 alleles (0.000064%); highest among the groups gnomAD compares: Admixed American, 0.002%; no homozygotes.

Submissions (3):

Labcorp Genetics (formerly Invitae), Labcorp
Classification: Uncertain significance. Last evaluated: 2024-12-10. Review status: criteria provided, single submitter. Criteria: Invitae Variant Classification Sherloc (09022015). Collection method: clinical testing. Allele origin: germline.
Comment: This sequence change replaces arginine, which is basic and polar, with proline, which is neutral and non-polar, at codon 648 of the ZSWIM6 protein (p.Arg648Pro). This variant is present in population databases (no rsID available, gnomAD 0.004%). This variant has not been reported in the literature in individuals affected with ZSWIM6-related conditions. ClinVar contains an entry for this variant (Variation ID: 1696751). Invitae Evidence Modeling of protein sequence and biophysical properties (such as structural, functional, and spatial information, amino acid conservation, physicochemical variation, residue mobility, and thermodynamic stability) indicates that this missense variant is not expected to disrupt ZSWIM6 protein function with a negative predictive value of 80%. In summary, the available evidence is currently insufficient to determine the role of this variant in disease. Therefore, it has been classified as a Variant of Uncertain Significance.

Ambry Genetics
Classification: Uncertain significance for Inborn genetic diseases. Last evaluated: 2024-09-18. Review status: criteria provided, single submitter. Criteria: Ambry Variant Classification Scheme 2023. Collection method: clinical testing. Allele origin: germline.

New York Genome Center
Classification: Uncertain significance for Neurodevelopmental disorder with movement abnormalities, abnormal gait, and autistic features. Last evaluated: 2021-06-04. Review status: criteria provided, single submitter. Criteria: NYGC Assertion Criteria 2020. Collection method: clinical testing. Allele origin: inherited. Observed: 1 heterozygote. Study: CSER-NYCKidSeq.